The following is an entry in ClinVar:

ClinVar aggregate classification (germline): Pathogenic (1 of 4 stars; one submission).

Conditions:
Familial adenomatous polyposis 1 (FAP1). Also called: POLYPOSIS, ADENOMATOUS INTESTINAL; FAMILIAL ADENOMATOUS POLYPOSIS 1, ATTENUATED. Identifiers: MedGen C2713442, MONDO:0021056, OMIM 175100. Disease mechanism: loss of function.

Submission:

Myriad Genetics, Inc.
Classification: Pathogenic for Familial adenomatous polyposis 1. Last evaluated: 2023-05-08. Review status: criteria provided, single submitter. Criteria: Myriad Autosomal Dominant, Autosomal Recessive and X-Linked Classification Criteria (2023). Collection method: clinical testing. Allele origin: unknown.
Comment: This variant is considered pathogenic. This variant creates a termination codon and is predicted to result in premature protein truncation.

NM_000038.6(APC):c.3502G>T (p.Glu1168Ter)

Gene: APC (APC regulator of Wnt signaling pathway; plus strand). Cytogenetic location: 5q22.2.
Variant type: single nucleotide variant.
Coding change: c.3502G>T on transcript NM_000038.6 (MANE Select); coding-DNA position 3502, G replaced by T.
Protein change: p.Glu1168Ter; replaces glutamic acid 1168 with a stop codon.
Molecular consequence: nonsense. On other transcripts: non-coding transcript variant (2).
Genome position (GRCh38, 1-based): chr5:112,839,096, G>T. VCF-style: chr5-112839096-G-T. GRCh37 (hg19) VCF-style: chr5-112174793-G-T.
Other names: c.3502G>T, p.Glu1168Ter (NM_001127510.3, NM_001354895.2, NM_001407450.1); c.3448G>T, p.Glu1150Ter (NM_001127511.3); c.3556G>T, p.Glu1186Ter (NM_001354896.2, NM_001407447.1, NM_001407448.1 and 1 more transcripts); c.3532G>T, p.Glu1178Ter (NM_001354897.2); c.3427G>T, p.Glu1143Ter (NM_001354898.2); c.3418G>T, p.Glu1140Ter (NM_001354899.2); c.3379G>T, p.Glu1127Ter (NM_001354900.2); c.3325G>T, p.Glu1109Ter (NM_001354901.2, NM_001407453.1); and 11 more; short protein forms E1008*, E1039*, E1042*, E1067*, E1077*, E1085*, E1109*, E1127*.
Identifiers: ClinVar variation 2583213 (VCV002583213.1), dbSNP rs2149893243, ClinGen allele CA16029024.